The following is an entry in ClinVar:

ClinVar aggregate classification (germline): Uncertain significance (1 of 4 stars; one submission).

Conditions:
ADGRL1-related condition.

Submission:

PreventionGenetics, part of Exact Sciences
Classification: Uncertain significance for ADGRL1-related condition. Last evaluated: 2026-04-04. Review status: criteria provided, single submitter. Criteria: ACMG Guidelines, 2015. Collection method: clinical testing. Allele origin: germline.
Comment: The ADGRL1 c.1424C>A variant is predicted to result in the amino acid substitution p.Ser475Tyr. To our knowledge, this variant has not been reported in the literature or in a large population database (gnomAD), indicating this variant is rare. At this time, the clinical significance of this variant is uncertain due to the absence of conclusive functional and genetic evidence.

NM_014921.5(ADGRL1):c.1409C>A (p.Ser470Tyr)

Genes: ADGRL1 (adhesion G protein-coupled receptor L1; minus strand), ADGRL1-AS1 (ADGRL1 antisense RNA 1; plus strand). Cytogenetic location: 19p13.12.
Variant type: single nucleotide variant.
Coding change: c.1409C>A on transcript NM_014921.5 (MANE Select); coding-DNA position 1409, C replaced by A.
Protein change: p.Ser470Tyr; replaces serine 470 with tyrosine.
Molecular consequence: missense variant.
Genome position (GRCh38, 1-based): chr19:14,161,413, G>T on the plus strand (C>A on the coding strand, the complement: ADGRL1 is on the minus strand). VCF-style: chr19-14161413-G-T. GRCh37 (hg19) VCF-style: chr19-14272225-G-T.
Other names: c.1424C>A, p.Ser475Tyr (NM_001008701.3); short protein forms S470Y, S475Y.
Identifiers: ClinVar variation 4985228 (VCV004985228.1).